The following is an entry in ClinVar:

ClinVar aggregate classification (germline): Uncertain significance (1 of 4 stars; one submission).

gnomAD v4.1: 4 of 1,610,408 alleles (0.00025%); highest among the groups gnomAD compares: African/African-American, 0.0054%; no homozygotes.

Submission:

GeneDx
Classification: Uncertain significance. Last evaluated: 2024-08-14. Review status: criteria provided, single submitter. Criteria: GeneDx Variant Classification Process June 2021. Collection method: clinical testing. Allele origin: germline. Affected: yes.
Comment: Not observed at significant frequency in large population cohorts (gnomAD); In silico analysis supports that this missense variant has a deleterious effect on protein structure/function; Has not been previously published as pathogenic or benign to our knowledge

NM_018297.4(NGLY1):c.221G>A (p.Cys74Tyr)

Gene: NGLY1 (N-glycanase 1; minus strand). Cytogenetic location: 3p24.2.
Variant type: single nucleotide variant.
Coding change: c.221G>A on transcript NM_018297.4 (MANE Select); coding-DNA position 221, G replaced by A.
Protein change: p.Cys74Tyr; replaces cysteine 74 with tyrosine.
Molecular consequence: missense variant.
Genome position (GRCh38, 1-based): chr3:25,778,599, C>T on the plus strand (G>A on the coding strand, the complement: NGLY1 is on the minus strand). VCF-style: chr3-25778599-C-T. GRCh37 (hg19) VCF-style: chr3-25820090-C-T.
Other names: c.221G>A, p.Cys74Tyr (NM_001145293.2, NM_001145295.2); c.95G>A, p.Cys32Tyr (NM_001145294.2); short protein forms C74Y, C32Y.
Identifiers: ClinVar variation 3731121 (VCV003731121.1).
Genomic context (GRCh38, chr3:25,778,599, plus strand): 5'-TGAAGAGGGGAGAGGAAATCCTTGAACATACTTACCTCTTCAAAGCCCATTTCAAATAAA[C>T]ATTCAACAGCTCCTCTGACAGGCAAGAGTCTAGTAGAAAAGGCTGTGTTTCCAATCCGGA-3'
Protein context (NP_060767.2, residues 64-84): RLLPVRGAVE[Cys74Tyr]LFEMGFEEGE